The following is an entry in ClinVar:

NM_005334.3(HCFC1):c.4026G>A (p.Thr1342=)

Gene: HCFC1 (host cell factor C1; minus strand). Cytogenetic location: Xq28.
Variant type: single nucleotide variant.
Coding change: c.4026G>A on transcript NM_005334.3 (MANE Select); coding-DNA position 4026, G replaced by A.
Protein change: p.Thr1342=; no amino-acid change (threonine 1342 retained).
Molecular consequence: synonymous variant.
Genome position (GRCh38, 1-based): chrX:153,954,373, C>T on the plus strand (G>A on the coding strand, the complement: HCFC1 is on the minus strand). VCF-style: chrX-153954373-C-T. GRCh37 (hg19) VCF-style: chrX-153219824-C-T.
Identifiers: ClinVar variation 731912 (VCV000731912.30), dbSNP rs201491358, ClinGen allele CA10557089.

ClinVar aggregate classification (germline): Benign/Likely benign. Review status: criteria provided, multiple submitters, no conflicts (2 of 4 stars). 2 submissions from 2 submitters: Benign (1); Likely benign (1). Last evaluated 2025-11-03.

Conditions:
Methylmalonic acidemia with homocystinuria, type cblX (MAHCX). Also called: INTELLECTUAL DEVELOPMENTAL DISORDER, X-LINKED 3. Identifiers: Orphanet 369962, MedGen C0796208, MONDO:0010657, OMIM 309541.

Allele frequency attached by ClinVar (database versions not stated): gnomAD 0.00003 and 0.00005; gnomAD exomes 0.00003 and 0.00006; ExAC 0.00007; 1000 Genomes Project 0.00053; 1000 Genomes Project 30x 0.00083.
gnomAD v4.1: 38 of 1,193,181 alleles (0.0032%); highest among the groups gnomAD compares: Middle Eastern, 0.024%; no homozygotes.

Submissions (2):

Labcorp Genetics (formerly Invitae), Labcorp
Classification: Benign for Methylmalonic acidemia with homocystinuria, type cblX. Last evaluated: 2025-11-03. Review status: criteria provided, single submitter. Criteria: Invitae Variant Classification Sherloc (09022015). Collection method: clinical testing. Allele origin: germline.

CeGaT Center for Human Genetics Tuebingen
Classification: Likely benign. Last evaluated: 2023-01-01. Review status: criteria provided, single submitter. Criteria: CeGaT Center For Human Genetics Tuebingen Variant Classification Criteria Version 2. Collection method: clinical testing. Allele origin: germline. Affected: yes. Observed: 1 variant allele.
Comment: HCFC1: BP4, BP7, BS2